The following is an entry in ClinVar:

ClinVar aggregate classification (germline): Likely pathogenic (1 of 4 stars; one submission).

Conditions:
Congenital hypothyroidism. Identifiers: Orphanet 442, MedGen C0010308, MONDO:0018612, HP:0000851.

Submission:

Constantin Polychronakos Laboratory, The Research Institute of the McGill University Health Centre
Classification: Likely pathogenic for Congenital hypothyroidism. Last evaluated: 2025-04-15. Review status: criteria provided, single submitter. Criteria: ACMG Guidelines, 2015. Collection method: clinical testing. Allele origin: germline. Affected: yes.
Comment: The variant was absent in control chromosomes in GnomAD project (PM2). In-silico tool predicts a pathogenic outcome for this variant (PP3). This variant co-segregated with the thyroid disease in the family (PP1). According to the ACMG guidelines, this variant is classified as a Likely pathogenic variant.

Literature cited by the submitters: DOI 10.3389/fendo.2025.1559281.

NM_052832.4(SLC26A7):c.974C>A (p.Ala325Asp)

Gene: SLC26A7 (solute carrier family 26 member 7; plus strand). Cytogenetic location: 8q21.3.
Variant type: single nucleotide variant.
Coding change: c.974C>A on transcript NM_052832.4 (MANE Select); coding-DNA position 974, C replaced by A.
Protein change: p.Ala325Asp; replaces alanine 325 with aspartic acid.
Molecular consequence: missense variant.
Genome position (GRCh38, 1-based): chr8:91,340,499, C>A. VCF-style: chr8-91340499-C-A. GRCh37 (hg19) VCF-style: chr8-92352727-C-A.
Other names: c.974C>A, p.Ala325Asp (NM_001282356.2, NM_134266.2); c.71C>A, p.Ala24Asp (NM_001282357.2); short protein forms A24D, A325D.
Identifiers: ClinVar variation 3778828 (VCV003778828.1).